The following is an entry in ClinVar:

ClinVar aggregate classification (germline): Benign/Likely benign. Review status: criteria provided, multiple submitters, no conflicts (2 of 4 stars). 9 submissions from 7 submitters: Benign (8); Likely benign (1). Last evaluated 2026-02-02.

Conditions:
Atypical hemolytic-uremic syndrome with C3 anomaly. Also called: AHUS, SUSCEPTIBILITY TO, 5. Identifiers: Orphanet 2134, MedGen C2752037, MONDO:0013043, OMIM 612925.
Age related macular degeneration 9. Identifiers: MedGen C1969651, MONDO:0012659, OMIM 611378.
Complement component 3 deficiency. Identifiers: Orphanet 280133, MedGen C3151071, MONDO:0013417, OMIM 613779.

Allele frequency attached by ClinVar (database versions not stated): gnomAD exomes 0.00482 and 0.01242; ExAC 0.01483; gnomAD 0.04593 and 0.04973; 1000 Genomes Project 0.04832; 1000 Genomes Project 30x 0.05091; TOPMed 0.05120; ESP Exome Variant Server 0.05374.
gnomAD v4.1: 14,314 of 1,613,896 alleles (0.89%); highest among the groups gnomAD compares: African/African-American, 16%; 992 homozygotes.

Submissions (9):

Labcorp Genetics (formerly Invitae), Labcorp
Classification: Benign. Last evaluated: 2026-02-02. Review status: criteria provided, single submitter. Criteria: Invitae Variant Classification Sherloc (09022015). Collection method: clinical testing. Allele origin: germline.

Women's Health and Genetics/Laboratory Corporation of America, LabCorp
Classification: Benign. Last evaluated: 2026-01-21. Review status: criteria provided, single submitter. Criteria: LabCorp Variant Classification Summary - May 2015. Collection method: clinical testing. Allele origin: germline.

Blueprint Genetics
Classification: Likely benign. Last evaluated: 2024-11-26. Review status: criteria provided, single submitter. Criteria: ACMG Guidelines, 2015. Collection method: clinical testing. Allele origin: germline.

Mayo Clinic Laboratories, Mayo Clinic
Classification: Benign. Last evaluated: 2022-03-10. Review status: criteria provided, single submitter. Criteria: ACMG Guidelines, 2015. Collection method: clinical testing. Allele origin: germline. Observed: 247 variant alleles.

GeneDx
Classification: Benign. Last evaluated: 2021-06-09. Review status: criteria provided, single submitter. Criteria: GeneDx Variant Classification Process June 2021. Collection method: clinical testing. Allele origin: germline. Affected: yes.

Illumina Laboratory Services, Illumina
Classification: Benign for Complement component 3 deficiency. Last evaluated: 2018-01-13. Review status: criteria provided, single submitter. Criteria: ICSL Variant Classification Criteria 13 December 2019. Collection method: clinical testing. Allele origin: germline.
Comment: This variant was observed in the ICSL laboratory as part of a predisposition screen in an ostensibly healthy population. It had not been previously curated by ICSL or reported in the Human Gene Mutation Database (HGMD: prior to June 1st, 2018), and was therefore a candidate for classification through an automated scoring system. Utilizing variant allele frequency, disease prevalence and penetrance estimates, and inheritance mode, an automated score was calculated to assess if this variant is too frequent to cause the disease. Based on the score and internal cut-off values, a variant classified as benign is not then subjected to further curation. The score for this variant resulted in a classification of benign for this disease.

Illumina Laboratory Services, Illumina
Classification: Benign for Atypical hemolytic-uremic syndrome with C3 anomaly. Last evaluated: 2018-01-13. Review status: criteria provided, single submitter. Criteria: ICSL Variant Classification Criteria 13 December 2019. Collection method: clinical testing. Allele origin: germline.
Comment: the same text as in the submission from Illumina Laboratory Services, Illumina above.

Illumina Laboratory Services, Illumina
Classification: Benign for Age related macular degeneration 9. Last evaluated: 2018-01-13. Review status: criteria provided, single submitter. Criteria: ICSL Variant Classification Criteria 13 December 2019. Collection method: clinical testing. Allele origin: germline.
Comment: the same text as in the submission from Illumina Laboratory Services, Illumina above.

Breakthrough Genomics
Classification: Benign. Review status: criteria provided, single submitter. Criteria: ACMG Guidelines, 2015. Collection method: not provided. Allele origin: germline. Inheritance: Autosomal recessive inheritance. Affected: yes.

NM_000064.4(C3):c.2715C>T (p.Thr905=)

Gene: C3 (complement C3; minus strand). Cytogenetic location: 19p13.3.
Variant type: single nucleotide variant.
Coding change: c.2715C>T on transcript NM_000064.4 (MANE Select); coding-DNA position 2715, C replaced by T.
Protein change: p.Thr905=; no amino-acid change (threonine 905 retained).
Molecular consequence: synonymous variant.
Genome position (GRCh38, 1-based): chr19:6,697,425, G>A on the plus strand (C>T on the coding strand, the complement: C3 is on the minus strand). VCF-style: chr19-6697425-G-A. GRCh37 (hg19) VCF-style: chr19-6697436-G-A.
Other names: p.Thr905=; c.2715C>T (LRG_27t1).
Identifiers: ClinVar variation 330301 (VCV000330301.18), dbSNP rs2230208, ClinGen allele CA9128983.